The following is an entry in ClinVar:

ClinVar aggregate classification (germline): Uncertain significance (1 of 4 stars; one submission).

Conditions:
MOGS-congenital disorder of glycosylation. Also called: MOGS-CDG; CDG IIb; GLUCOSIDASE I DEFICIENCY; CDG 2B. Identifiers: Orphanet 79330, MedGen C1853736, MONDO:0011629, OMIM 606056.

Allele frequency attached by ClinVar (database versions not stated): gnomAD below 0.00001 and 0.00001; gnomAD exomes 0.00003; ExAC 0.00005.

Submission:

Labcorp Genetics (formerly Invitae), Labcorp
Classification: Uncertain significance for MOGS-congenital disorder of glycosylation. Last evaluated: 2020-01-13. Review status: criteria provided, single submitter. Criteria: Invitae Variant Classification Sherloc (09022015). Collection method: clinical testing. Allele origin: germline.
Comment: In summary, the available evidence is currently insufficient to determine the role of this variant in disease. Therefore, it has been classified as a Variant of Uncertain Significance. Algorithms developed to predict the effect of missense changes on protein structure and function are either unavailable or do not agree on the potential impact of this missense change (SIFT: "Tolerated"; PolyPhen-2: "Probably Damaging"; Align-GVGD: "Class C0"). This variant has not been reported in the literature in individuals with MOGS-related conditions. This variant is present in population databases (rs781577738, ExAC 0.04%). This sequence change replaces glycine with glutamic acid at codon 302 of the MOGS protein (p.Gly302Glu). The glycine residue is moderately conserved and there is a moderate physicochemical difference between glycine and glutamic acid.

NM_006302.3(MOGS):c.905G>A (p.Gly302Glu)

Gene: MOGS (mannosyl-oligosaccharide glucosidase; minus strand). Cytogenetic location: 2p13.1.
Variant type: single nucleotide variant.
Coding change: c.905G>A on transcript NM_006302.3 (MANE Select); coding-DNA position 905, G replaced by A.
Protein change: p.Gly302Glu; replaces glycine 302 with glutamic acid.
Molecular consequence: missense variant.
Genome position (GRCh38, 1-based): chr2:74,462,884, C>T on the plus strand (G>A on the coding strand, the complement: MOGS is on the minus strand). VCF-style: chr2-74462884-C-T. GRCh37 (hg19) VCF-style: chr2-74690011-C-T.
Other names: c.587G>A, p.Gly196Glu (NM_001146158.2); short protein forms G302E, G196E.
Identifiers: ClinVar variation 1046258 (VCV001046258.9), dbSNP rs781577738, ClinGen allele CA1724885.
Genomic context (GRCh38, chr2:74,462,884, plus strand): 5'-TGTATCAAGAACTGCCCCTGCCCTTGCCCACTTGGACCTCTGTCCTCCCACTTCAGGGAT[C>T]CTGGCAAGCCGAGGTAGCGTTCAGGGGGGGCCCCTGGGGGCCGATGCTGAAACCAGCTAT-3'
Protein context (NP_006293.2, residues 292-312): APPERYLGLP[Gly302Glu]SLKWEDRGPS